The following is an entry in ClinVar:

NM_024334.3(TMEM43):c.705+3G>A

Gene: TMEM43 (transmembrane protein 43; plus strand). Cytogenetic location: 3p25.1.
Variant type: single nucleotide variant.
Coding change: c.705+3G>A on transcript NM_024334.3 (MANE Select); 3 bases into the intron after coding-DNA position 705, G replaced by A.
Molecular consequence: intron variant.
Genome position (GRCh38, 1-based): chr3:14,134,894, G>A. VCF-style: chr3-14134894-G-A. GRCh37 (hg19) VCF-style: chr3-14176394-G-A.
Other names: c.705+3G>A (NM_024334.2, NM_001407276.1, NM_001407275.1 and 2 more transcripts); c.708+3G>A (NM_001407274.1); c.690+3G>A (NM_001407278.1); c.555+3G>A (NM_001407280.1).
Identifiers: ClinVar variation 3894119 (VCV003894119.3).

ClinVar aggregate classification (germline): Uncertain significance. Review status: criteria provided, multiple submitters, no conflicts (2 of 4 stars). 3 submissions from 3 submitters: Uncertain significance (3). Last evaluated 2026-06-02.

Conditions:
Arrhythmogenic right ventricular dysplasia 5. Also called: Arrhythmogenic Right Ventricular Dysplasia/Cardiomyopathy 5; ARRHYTHMOGENIC RIGHT VENTRICULAR DYSPLASIA, FAMILIAL, 5. Identifiers: MedGen C1858379, MONDO:0011459, OMIM 604400.
Cardiomyopathy (CMYO). Also called: Cardiomyopathies. Identifiers: Orphanet 167848, MedGen C0878544, MONDO:0004994, HP:0001638. Inheritance: Various modes of inheritance.
Cardiovascular phenotype. Identifiers: MedGen CN230736.

Submissions (3):

Ambry Genetics
Classification: Uncertain significance for Cardiovascular phenotype. Last evaluated: 2026-06-02. Review status: criteria provided, single submitter. Criteria: Ambry Variant Classification Scheme 2023. Collection method: clinical testing. Allele origin: germline.
Comment: The c.705+3G>A intronic variant results from a G to A substitution 3 nucleotides after coding exon 8 in the TMEM43 gene. This nucleotide position is poorly conserved in available vertebrate species. In silico splice site analysis predicts that this alteration will not have any significant effect on splicing. Based on the available evidence, the clinical significance of this variant remains unclear.

Labcorp Genetics (formerly Invitae), Labcorp
Classification: Uncertain significance for Arrhythmogenic right ventricular dysplasia 5. Last evaluated: 2026-01-01. Review status: criteria provided, single submitter. Criteria: Invitae Variant Classification Sherloc (09022015). Collection method: clinical testing. Allele origin: germline.
Comment: This sequence change falls in intron 8 of the TMEM43 gene. It does not directly change the encoded amino acid sequence of the TMEM43 protein. It affects a nucleotide within the consensus splice site. This variant is not present in population databases (gnomAD no frequency). This variant has not been reported in the literature in individuals affected with TMEM43-related conditions. ClinVar contains an entry for this variant (Variation ID: 3894119). Variants that disrupt the consensus splice site are a relatively common cause of aberrant splicing (PMID: 17576681, 9536098). Algorithms developed to predict the effect of sequence changes on RNA splicing suggest that this variant is not likely to affect RNA splicing. In summary, the available evidence is currently insufficient to determine the role of this variant in disease. Therefore, it has been classified as a Variant of Uncertain Significance.

Color Diagnostics, LLC DBA Color Health
Classification: Uncertain significance for Cardiomyopathy. Last evaluated: 2025-12-11. Review status: criteria provided, single submitter. Criteria: ACMG Guidelines, 2015. Collection method: clinical testing. Allele origin: germline.
Comment: This variant causes a G to A nucleotide substitution at the +3 position of intron 8 of the TMEM43 gene. Splice prediction tools suggest that this variant may not disrupt RNA splicing. To our knowledge, RNA studies have not been reported for this variant. This variant has not been reported in individuals affected with TMEM43-related disorders in the literature. This variant has been identified in 2/1614172 chromosomes in the general population by the Genome Aggregation Database (gnomAD). The available evidence is insufficient to determine the role of this variant in disease conclusively. Therefore, this variant is classified as a Variant of Uncertain Significance.

Literature cited by the submitters: PubMed 17576681 (cited by Labcorp Genetics (formerly Invitae), Labcorp); PubMed 9536098 (cited by Labcorp Genetics (formerly Invitae), Labcorp).